The following is an entry in ClinVar:

ClinVar aggregate classification (germline): Uncertain significance (1 of 4 stars; one submission).

Conditions:
Primary ciliary dyskinesia. Also called: Ciliary dyskinesia. Identifiers: Orphanet 244, MedGen C0008780, MONDO:0016575, HP:0012265.

Allele frequency attached by ClinVar (database versions not stated): gnomAD 0.00008; TOPMed 0.00010.

Submission:

Labcorp Genetics (formerly Invitae), Labcorp
Classification: Uncertain significance for Primary ciliary dyskinesia. Last evaluated: 2025-05-20. Review status: criteria provided, single submitter. Criteria: Invitae Variant Classification Sherloc (09022015). Collection method: clinical testing. Allele origin: germline.
Comment: This sequence change replaces arginine, which is basic and polar, with glutamine, which is neutral and polar, at codon 30 of the CCDC114 protein (p.Arg30Gln). This variant is present in population databases (no rsID available, gnomAD 0.03%). This variant has not been reported in the literature in individuals affected with CCDC114-related conditions. ClinVar contains an entry for this variant (Variation ID: 2852424). An algorithm developed to predict the effect of missense changes on protein structure and function outputs the following: PolyPhen-2: "Probably Damaging". The glutamine amino acid residue is found in multiple mammalian species, which suggests that this missense change does not adversely affect protein function. In summary, the available evidence is currently insufficient to determine the role of this variant in disease. Therefore, it has been classified as a Variant of Uncertain Significance.

NM_001364171.2(ODAD1):c.200G>A (p.Arg67Gln)

Gene: ODAD1 (outer dynein arm docking complex subunit 1; minus strand). Cytogenetic location: 19q13.33.
Variant type: single nucleotide variant.
Coding change: c.200G>A on transcript NM_001364171.2 (MANE Select); coding-DNA position 200, G replaced by A.
Protein change: p.Arg67Gln; replaces arginine 67 with glutamine.
Molecular consequence: missense variant.
Genome position (GRCh38, 1-based): chr19:48,318,547, C>T on the plus strand (G>A on the coding strand, the complement: ODAD1 is on the minus strand). VCF-style: chr19-48318547-C-T. GRCh37 (hg19) VCF-style: chr19-48821804-C-T.
Other names: c.89G>A, p.Arg30Gln (NM_144577.4); short protein forms R67Q, R30Q.
Identifiers: ClinVar variation 2852424 (VCV002852424.3), dbSNP rs964846657, ClinGen allele CA309317581.
Genomic context (GRCh38, chr19:48,318,547, plus strand): 5'-CTGTCCCGAAGCCGCTTGACCTGGTTCTGGGCTGCGCTGATCTGCACCTGGAGATCGCCC[C>T]GTACCTCCTCCAAGCGCCGGATCTCCTCACTACCCAGGCAGGGAGGTGGAAGAGGGGCCA-3'
Protein context (NP_001351100.1, residues 57-77): LEEIRRLEEV[Arg67Gln]GDLQVQISAA